The following is an entry in ClinVar:

NM_001148.6(ANK2):c.10804C>T (p.Arg3602Ter)

Gene: ANK2 (ankyrin 2; plus strand). Cytogenetic location: 4q26.
Variant type: single nucleotide variant.
Coding change: c.10804C>T on transcript NM_001148.6 (MANE Select); coding-DNA position 10804, C replaced by T.
Protein change: p.Arg3602Ter; replaces arginine 3602 with a stop codon.
Molecular consequence: nonsense.
Genome position (GRCh38, 1-based): chr4:113,363,385, C>T. VCF-style: chr4-113363385-C-T. GRCh37 (hg19) VCF-style: chr4-114284541-C-T.
Other names: c.10921C>T, p.Arg3641Ter (NM_001386175.1); c.4534C>T, p.Arg1512Ter (NM_001386186.2, NM_001386148.2); c.4414C>T, p.Arg1472Ter (NM_001386187.2); c.4549C>T, p.Arg1517Ter (NM_020977.5); c.4522C>T, p.Arg1508Ter (NM_001127493.3); c.4561C>T, p.Arg1521Ter (NM_001354225.2); c.4450C>T, p.Arg1484Ter (NM_001354228.2, NM_001354258.2); c.4528C>T, p.Arg1510Ter (NM_001354230.2); and 35 more; short protein forms R1356*, R1389*, R1417*, R1422*, R1430*, R1439*, R1442*, R1444*.
Identifiers: ClinVar variation 4854696 (VCV004854696.1).
Genomic context (GRCh38, chr4:113,363,385, plus strand): 5'-TTTTATCTTCTAGAATTAGCAAGAGAACTGGATTTCACTGAGGAGCAAATTCATCAAATT[C>T]GAATTGAAAATCCCAACTCTCTTCAAGACCAGAGTCATGCACTGTTGAAGTACTGGCTAG-3'

ClinVar aggregate classification (germline): Uncertain significance (1 of 4 stars; one submission).

Conditions:
ANK2-related disorder. Also called: ANK2-related condition.

gnomAD v4.1: 4 of 1,613,350 alleles (0.00025%); highest among the groups gnomAD compares: Non-Finnish European, 0.00025%; no homozygotes.

Submission:

3billion
Classification: Uncertain significance for ANK2-related disorder. Last evaluated: 2025-05-20. Review status: criteria provided, single submitter. Criteria: ACMG Guidelines, 2015. Collection method: clinical testing. Allele origin: germline. Affected: yes.
Comment: The variant is observed at an extremely low frequency in the gnomAD v4.1.0 dataset (total allele frequency: <0.001%). Predicted Consequence/Location: Stop-gained (nonsense): predicted to result in a loss or disruption of normal protein function through nonsense-mediated decay (NMD) or protein truncation. Multiple pathogenic variants are reported downstream of the variant. The variant has been reported as of uncertain significance (PMID: 36475376, DECIPHER: 451588). Therefore, this variant is classified as VUS according to the recommendation of ACMG/AMP guideline.